The following is an entry in ClinVar:

ClinVar aggregate classification (germline): Uncertain significance (1 of 4 stars; one submission).

Conditions:
Inborn genetic diseases. Identifiers: MedGen C0950123, MeSH D030342.

Submission:

Ambry Genetics
Classification: Uncertain significance for Inborn genetic diseases. Last evaluated: 2024-12-12. Review status: criteria provided, single submitter. Criteria: Ambry Variant Classification Scheme 2023. Collection method: clinical testing. Allele origin: germline.
Comment: The p.E602A variant (also known as c.1805A>C), located in coding exon 12 of the BMPR2 gene, results from an A to C substitution at nucleotide position 1805. The glutamic acid at codon 602 is replaced by alanine, an amino acid with dissimilar properties. This amino acid position is conserved. In addition, the in silico prediction for this alteration is inconclusive. Based on the available evidence, the clinical significance of this variant remains unclear.

NM_001204.7(BMPR2):c.1805A>C (p.Glu602Ala)

Gene: BMPR2 (bone morphogenetic protein receptor type 2; plus strand). Cytogenetic location: 2q33.2.
Variant type: single nucleotide variant.
Coding change: c.1805A>C on transcript NM_001204.7 (MANE Select); coding-DNA position 1805, A replaced by C.
Protein change: p.Glu602Ala; replaces glutamic acid 602 with alanine.
Molecular consequence: missense variant.
Genome position (GRCh38, 1-based): chr2:202,555,470, A>C. VCF-style: chr2-202555470-A-C. GRCh37 (hg19) VCF-style: chr2-203420193-A-C.
Other names: short protein forms E602A.
Identifiers: ClinVar variation 3824735 (VCV003824735.1).